The following is an entry in ClinVar:

ClinVar aggregate classification (germline): Likely pathogenic (1 of 4 stars; one submission).

Submission:

GeneDx
Classification: Likely pathogenic. Last evaluated: 2017-10-04. Review status: criteria provided, single submitter. Criteria: GeneDx Variant Classification (06012015). Collection method: clinical testing. Allele origin: germline. Affected: yes.
Comment: The F337C variant in the PDE4D gene has not been reported previously as a pathogenic variant, nor as a benign variant, to our knowledge. The F337C variant is not observed in large population cohorts (Lek et al., 2016). The F337C variant is a non-conservative amino acid substitution, which is likely to impact secondary protein structure as these residues differ in polarity, charge, size and/or other properties. This substitution occurs at a position that is conserved across species. In silico analysis predicts this variant is probably damaging to the protein structure/function. We interpret F337C as a likely pathogenic variant.

NM_001104631.2(PDE4D):c.1010T>G (p.Phe337Cys)

Gene: PDE4D (phosphodiesterase 4D; minus strand). Cytogenetic location: 5q11.2.
Variant type: single nucleotide variant.
Coding change: c.1010T>G on transcript NM_001104631.2 (MANE Select); coding-DNA position 1010, T replaced by G.
Protein change: p.Phe337Cys; replaces phenylalanine 337 with cysteine.
Molecular consequence: missense variant.
Genome position (GRCh38, 1-based): chr5:58,993,377, A>C on the plus strand (T>G on the coding strand, the complement: PDE4D is on the minus strand). VCF-style: chr5-58993377-A-C. GRCh37 (hg19) VCF-style: chr5-58289204-A-C.
Other names: c.827T>G, p.Phe276Cys (NM_001165899.2, NM_001364599.1); c.818T>G, p.Phe273Cys (NM_001197218.2); c.644T>G, p.Phe215Cys (NM_001197219.2); c.620T>G, p.Phe207Cys (NM_001197220.2); c.104T>G, p.Phe35Cys (NM_001197221.2, NM_001364603.1); c.338T>G, p.Phe113Cys (NM_001197222.2); c.137T>G, p.Phe46Cys (NM_001197223.2); c.797T>G, p.Phe266Cys (NM_001349241.2); and 3 more; short protein forms F276C, F337C, F207C, F113C, F215C, F227C, F266C, F273C.
Identifiers: ClinVar variation 452502 (VCV000452502.2), dbSNP rs1554039692, ClinGen allele CA359817984.
Genomic context (GRCh38, chr5:58,993,377, plus strand): 5'-AACAAACAAGCAAACAACTGAAGAAAAAAATTTAATTGCATGTTGTTATTCTCACCTAAG[A>C]ATGTGTTTGATATAAACTCTGACACTTGATTTCCAGACCGACTCATTTCAGAGAGATGGG-3'
Protein context (NP_001098101.1, residues 327-347): NQVSEFISNT[Phe337Cys]LDKQHEVEIP